The following is an entry in ClinVar:

NM_021098.3(CACNA1H):c.3857C>G (p.Ser1286Cys)

Gene: CACNA1H (calcium voltage-gated channel subunit alpha1 H; plus strand). Cytogenetic location: 16p13.3.
Variant type: single nucleotide variant.
Coding change: c.3857C>G on transcript NM_021098.3 (MANE Select); coding-DNA position 3857, C replaced by G.
Protein change: p.Ser1286Cys; replaces serine 1286 with cysteine.
Molecular consequence: missense variant.
Genome position (GRCh38, 1-based): chr16:1,210,381, C>G. VCF-style: chr16-1210381-C-G. GRCh37 (hg19) VCF-style: chr16-1260381-C-G.
Other names: c.3857C>G, p.Ser1286Cys (NM_001005407.2); short protein forms S1286C.
Identifiers: ClinVar variation 643535 (VCV000643535.14), dbSNP rs776740325, ClinGen allele CA7800991.
Genomic context (GRCh38, chr16:1,210,381, plus strand): 5'-GCCATCCACGCCGCCCCGCCCCACCTCTCACCCGCCCCCGCCCACCCAGGTTCCGCGTCT[C>G]CTGCCAGAAGGTCATCACACACAAGATGTTTGATCACGTGGTCCTCGTCTTCATCTTCCT-3'
Protein context (NP_066921.2, residues 1276-1296): LFSPQNRFRV[Ser1286Cys]CQKVITHKMF

ClinVar aggregate classification (germline): Conflicting classifications of pathogenicity. Review status: criteria provided, conflicting classifications (1 of 4 stars). 5 submissions from 5 submitters: Uncertain significance (4); Benign (1). Last evaluated 2026-02-13.

Conditions:
Hyperaldosteronism, familial, type IV (HALD4). Also called: FH IV; ALDOSTERONISM, PRIMARY, AND HYPERTENSION. Identifiers: Orphanet 642671, MedGen C4310756, MONDO:0014875, OMIM 617027.
Idiopathic generalized epilepsy. Also called: EIG; Generalised epilepsy. Identifiers: MedGen C0270850, MONDO:0005579, OMIM 600669.
Epilepsy, childhood absence, susceptibility to, 6. Identifiers: Orphanet 64280, MedGen C2749872, MONDO:0012763, OMIM 611942.

Allele frequency attached by ClinVar (database versions not stated): ExAC below 0.00001; gnomAD exomes 0.00001; TOPMed 0.00001; gnomAD 0.00002.

Submissions (5):

Women's Health and Genetics/Laboratory Corporation of America, LabCorp
Classification: Uncertain significance. Last evaluated: 2026-02-13. Review status: criteria provided, single submitter. Criteria: LabCorp Variant Classification Summary - May 2015. Collection method: clinical testing. Allele origin: germline.
Comment: Variant summary: CACNA1H c.3857C>G (p.Ser1286Cys) results in a non-conservative amino acid change in the encoded protein sequence. Algorithms developed to predict the effect of missense changes on protein structure and function are either unavailable or do not agree on the potential impact of this missense change. The variant allele was found at a frequency of 1e-05 in 195878 control chromosomes. The available data on variant occurrences in the general population are insufficient to allow any conclusion about variant significance. To our knowledge, no occurrence of c.3857C>G in individuals affected with CACNA1H-related conditions and no experimental evidence demonstrating its impact on protein function have been reported. The following publications have been ascertained in the context of this evaluation (PMID: 35982159, 33057194). ClinVar contains an entry for this variant (Variation ID: 643535). Based on the evidence outlined above, the variant was classified as uncertain significance.

Department of Pathology and Laboratory Medicine, Sinai Health System
Classification: Uncertain significance for hyperaldosteronism, familial, type IV. Last evaluated: 2023-12-18. Review status: criteria provided, single submitter. Criteria: ACMG Guidelines, 2015. Collection method: research. Allele origin: germline.

Labcorp Genetics (formerly Invitae), Labcorp
Classification: Benign for Idiopathic generalized epilepsy; Hyperaldosteronism, familial, type IV. Last evaluated: 2022-09-01. Review status: criteria provided, single submitter. Criteria: Invitae Variant Classification Sherloc (09022015). Collection method: clinical testing. Allele origin: germline.

Fulgent Genetics
Classification: Uncertain significance for Epilepsy, childhood absence, susceptibility to, 6; Hyperaldosteronism, familial, type IV. Last evaluated: 2022-05-18. Review status: criteria provided, single submitter. Criteria: ACMG Guidelines, 2015. Collection method: clinical testing. Allele origin: unknown.

Breakthrough Genomics
Classification: Uncertain significance. Review status: criteria provided, single submitter. Criteria: ACMG Guidelines, 2015. Collection method: not provided. Allele origin: germline. Inheritance: Autosomal dominant inheritance. Affected: yes.

Literature cited by the submitters: PubMed 35982159 (cited by Women's Health and Genetics/Laboratory Corporation of America, LabCorp); PubMed 33057194 (cited by Women's Health and Genetics/Laboratory Corporation of America, LabCorp).